The following is an entry in ClinVar:

NM_007194.4(CHEK2):c.386T>C (p.Leu129Pro)

Gene: CHEK2 (checkpoint kinase 2; minus strand). Cytogenetic location: 22q12.1.
Variant type: single nucleotide variant.
Coding change: c.386T>C on transcript NM_007194.4 (MANE Select); coding-DNA position 386, T replaced by C.
Protein change: p.Leu129Pro; replaces leucine 129 with proline.
Molecular consequence: missense variant.
Genome position (GRCh38, 1-based): chr22:28,725,301, A>G on the plus strand (T>C on the coding strand, the complement: CHEK2 is on the minus strand). VCF-style: chr22-28725301-A-G. GRCh37 (hg19) VCF-style: chr22-29121289-A-G.
Other names: c.515T>C, p.Leu172Pro (NM_001005735.3); c.-392T>C (NM_001257387.3); c.386T>C, p.Leu129Pro (NM_001349956.3, NM_145862.3); short protein forms L129P, L172P.
Identifiers: ClinVar variation 479582 (VCV000479582.8), dbSNP rs1555927266, ClinGen allele CA411108058.

ClinVar aggregate classification (germline): Uncertain significance. Review status: criteria provided, multiple submitters, no conflicts (2 of 4 stars). 2 submissions from 2 submitters: Uncertain significance (2). Last evaluated 2024-12-24.

Conditions:
Familial cancer of breast. Also called: BREAST CANCER, FAMILIAL; Hereditary breast cancer; hereditary breast carcinoma. Identifiers: Orphanet 227535, MedGen C0346153, MONDO:0016419, OMIM 114480. Disease mechanism: loss of function.
Hereditary cancer-predisposing syndrome. Also called: Hereditary Cancer Syndrome; Neoplastic Syndromes, Hereditary; Tumor predisposition; Hereditary neoplastic syndrome. Identifiers: Orphanet 140162, MedGen C0027672, MeSH D009386, MONDO:0015356.

Submissions (2):

Labcorp Genetics (formerly Invitae), Labcorp
Classification: Uncertain significance for Familial cancer of breast. Last evaluated: 2024-12-24. Review status: criteria provided, single submitter. Criteria: Invitae Variant Classification Sherloc (09022015). Collection method: clinical testing. Allele origin: germline.
Comment: This sequence change replaces leucine, which is neutral and non-polar, with proline, which is neutral and non-polar, at codon 129 of the CHEK2 protein (p.Leu129Pro). This variant is not present in population databases (gnomAD no frequency). This variant has not been reported in the literature in individuals affected with CHEK2-related conditions. ClinVar contains an entry for this variant (Variation ID: 479582). An algorithm developed to predict the effect of missense changes on protein structure and function (PolyPhen-2) suggests that this variant is likely to be tolerated. In summary, the available evidence is currently insufficient to determine the role of this variant in disease. Therefore, it has been classified as a Variant of Uncertain Significance.

Ambry Genetics
Classification: Uncertain significance for Hereditary cancer-predisposing syndrome. Last evaluated: 2024-03-02. Review status: criteria provided, single submitter. Criteria: Ambry Variant Classification Scheme 2023. Collection method: clinical testing. Allele origin: germline.
Comment: The p.L129P variant (also known as c.386T>C), located in coding exon 2 of the CHEK2 gene, results from a T to C substitution at nucleotide position 386. The leucine at codon 129 is replaced by proline, an amino acid with similar properties. This variant was not reported in population based cohorts in the following databases: Database of Single Nucleotide Polymorphisms (dbSNP), NHLBI Exome Sequencing Project (ESP), and 1000 Genomes Project. In the ESP, this variant was not observed in 6503 samples (13006 alleles) with coverage at this position. To date, this alteration has been detected with an allele frequency of approximately 0.001% (greater than 200000 alleles tested) in our clinical cohort. This amino acid position is not well conserved in available vertebrate species. In addition, the in silico prediction for this alteration is inconclusive. Since supporting evidence is limited at this time, the clinical significance of this alteration remains unclear.